The following is an entry in ClinVar:

ClinVar aggregate classification (germline): Benign (0 of 4 stars; one submission).

Conditions:
EPPK1-related disorder. Also called: EPPK1-related condition.

Allele frequency attached by ClinVar (database versions not stated): ExAC 0.01795; ESP Exome Variant Server 0.03399; gnomAD 0.03984; 1000 Genomes Project 0.04473; TOPMed 0.04572; 1000 Genomes Project 30x 0.04794.

Submission:

PreventionGenetics, part of Exact Sciences
Classification: Benign for EPPK1-related condition. Last evaluated: 2021-04-14. Review status: no assertion criteria provided. Collection method: clinical testing. Allele origin: germline.
Comment: This variant is classified as benign based on ACMG/AMP sequence variant interpretation guidelines (Richards et al. 2015 PMID: 25741868, with internal and published modifications).

NM_031308.4(EPPK1):c.1151G>A (p.Gly384Glu)

Gene: EPPK1 (epiplakin 1; minus strand). Cytogenetic location: 8q24.3.
Variant type: single nucleotide variant.
Coding change: c.1151G>A on transcript NM_031308.4 (MANE Select); coding-DNA position 1151, G replaced by A.
Protein change: p.Gly384Glu; replaces glycine 384 with glutamic acid.
Molecular consequence: missense variant.
Genome position (GRCh38, 1-based): chr8:143,872,103, C>T on the plus strand (G>A on the coding strand, the complement: EPPK1 is on the minus strand). VCF-style: chr8-143872103-C-T. GRCh37 (hg19) VCF-style: chr8-144946271-C-T.
Other names: short protein forms G384E.
Identifiers: ClinVar variation 3035549 (VCV003035549.2), dbSNP rs58368323, ClinGen allele CA4923442.